The following is an entry in ClinVar:

NM_013382.7(POMT2):c.1740_1741del (p.Val582fs)

Gene: POMT2 (protein O-mannosyltransferase 2; minus strand). Cytogenetic location: 14q24.3.
Variant type: Deletion.
Coding change: c.1740_1741del on transcript NM_013382.7 (MANE Select); coding-DNA positions 1740 to 1741, 2 bases deleted (AG; older notation c.1740_1741delAG).
Protein change: p.Val582fs; shifts the reading frame from valine 582.
Molecular consequence: frameshift variant.
Genome position (GRCh38, 1-based): chr14:77,280,065-77,280,066, CT deleted on the plus strand (AG on the coding strand, the reverse complement: POMT2 is on the minus strand). VCF-style (leftmost placement, unchanged base first): chr14-77280064-CCT-C. GRCh37 (hg19) VCF-style: chr14-77746407-CCT-C.
Other names: short protein forms V582fs.
Identifiers: ClinVar variation 2939148 (VCV002939148.3), dbSNP rs2503167151, ClinGen allele CA2625848009.

ClinVar aggregate classification (germline): Pathogenic (1 of 4 stars; one submission).

Conditions:
Muscular dystrophy-dystroglycanopathy (congenital with impaired intellectual development), type B, 2. Also called: MUSCULAR DYSTROPHY, CONGENITAL, POMT2-RELATED; Muscular dystrophy-dystroglycanopathy (congenital with intellectual disability), type B2. Identifiers: MedGen C3150416, MONDO:0013160, OMIM 613156.
Muscular dystrophy-dystroglycanopathy (congenital with brain and eye anomalies), type A2. Also called: MUSCULAR DYSTROPHY-DYSTROGLYCANOPATHY (CONGENITAL WITH BRAIN AND EYE ANOMALIES), TYPE A, 2; WALKER-WARBURG SYNDROME OR MUSCLE-EYE-BRAIN DISEASE, POMT2-RELATED. Identifiers: Orphanet 588, Orphanet 899, MedGen C3150411, MONDO:0013154, OMIM 613150.
Autosomal recessive limb-girdle muscular dystrophy type 2N. Also called: MUSCULAR DYSTROPHY-DYSTROGLYCANOPATHY, LIMB-GIRDLE, POMT2-RELATED; Muscular dystrophy-dystroglycanopathy (limb-girdle), type C, 2. Identifiers: Orphanet 206559, MedGen C3150418, MONDO:0013162, OMIM 613158.

Allele frequency attached by ClinVar (database versions not stated): gnomAD exomes below 0.00001.

Submission:

Labcorp Genetics (formerly Invitae), Labcorp
Classification: Pathogenic for Muscular dystrophy-dystroglycanopathy (congenital with impaired intellectual development), type B, 2; Muscular dystrophy-dystroglycanopathy (congenital with brain and eye anomalies), type A2; Autosomal recessive limb-girdle muscular dystrophy type 2N. Last evaluated: 2023-08-29. Review status: criteria provided, single submitter. Criteria: Invitae Variant Classification Sherloc (09022015). Collection method: clinical testing. Allele origin: germline.
Comment: For these reasons, this variant has been classified as Pathogenic. Algorithms developed to predict the effect of sequence changes on RNA splicing suggest that this variant may disrupt the consensus splice site. This sequence change creates a premature translational stop signal (p.Val582Glnfs*2) in the POMT2 gene. It is expected to result in an absent or disrupted protein product. Loss-of-function variants in POMT2 are known to be pathogenic (PMID: 15894594). This variant is not present in population databases (gnomAD no frequency). This variant has not been reported in the literature in individuals affected with POMT2-related conditions.

Literature cited by the submitters: PubMed 15894594.